The following is an entry in ClinVar:

NM_031407.7(HUWE1):c.11596G>A (p.Glu3866Lys)

Gene: HUWE1 (HECT, UBA and WWE domain containing E3 ubiquitin protein ligase 1; minus strand). Cytogenetic location: Xp11.22.
Variant type: single nucleotide variant.
Coding change: c.11596G>A on transcript NM_031407.7 (MANE Select); coding-DNA position 11596, G replaced by A.
Protein change: p.Glu3866Lys; replaces glutamic acid 3866 with lysine.
Molecular consequence: missense variant.
Genome position (GRCh38, 1-based): chrX:53,539,693, C>T on the plus strand (G>A on the coding strand, the complement: HUWE1 is on the minus strand). VCF-style: chrX-53539693-C-T. GRCh37 (hg19) VCF-style: chrX-53566654-C-T.
Other names: c.11548G>A, p.Glu3850Lys (NM_001441048.1, NM_001441053.1, NM_001441058.1); c.11551G>A, p.Glu3851Lys (NM_001441049.1, NM_001441054.1); c.11572G>A, p.Glu3858Lys (NM_001441050.1, NM_001441055.1); c.11593G>A, p.Glu3865Lys (NM_001441051.1, NM_001441056.1); c.11194G>A, p.Glu3732Lys (NM_001441052.1); c.11596G>A, p.Glu3866Lys (NM_001441057.1); short protein forms E3732K, E3850K, E3851K, E3858K, E3865K, E3866K.
Identifiers: ClinVar variation 4278886 (VCV004278886.1).

ClinVar aggregate classification (germline): Uncertain significance (1 of 4 stars; one submission).

Submission:

GeneDx
Classification: Uncertain significance. Last evaluated: 2025-04-01. Review status: criteria provided, single submitter. Criteria: GeneDx Variant Classification Process June 2021. Collection method: clinical testing. Allele origin: germline. Affected: yes.
Comment: In silico analysis supports that this missense variant has a deleterious effect on protein structure/function; Has not been previously published as pathogenic or benign to our knowledge